The following is an entry in ClinVar:

ClinVar aggregate classification (germline): Pathogenic/Likely pathogenic. Review status: criteria provided, multiple submitters, no conflicts (2 of 4 stars). 2 submissions from 2 submitters: Pathogenic (1); Likely pathogenic (1). Last evaluated 2024-05-29.

Conditions:
Hereditary nonpolyposis colorectal neoplasms. Identifiers: MedGen C0009405, MeSH D003123.

Submissions (2):

Labcorp Genetics (formerly Invitae), Labcorp
Classification: Pathogenic for Hereditary nonpolyposis colorectal neoplasms. Last evaluated: 2024-05-29. Review status: criteria provided, single submitter. Criteria: Invitae Variant Classification Sherloc (09022015). Collection method: clinical testing. Allele origin: germline.
Comment: This sequence change affects an acceptor splice site in intron 3 of the MSH6 gene. RNA analysis indicates that disruption of this splice site induces altered splicing and may result in an absent or disrupted protein product. This variant is not present in population databases (gnomAD no frequency). This variant has not been reported in the literature in individuals affected with MSH6-related conditions. ClinVar contains an entry for this variant (Variation ID: 1067147). Studies have shown that disruption of this splice site results in activation of a cryptic splice site and introduces a premature termination codon (Invitae). The resulting mRNA is expected to undergo nonsense-mediated decay. For these reasons, this variant has been classified as Pathogenic.

ARUP Laboratories, Molecular Genetics and Genomics, ARUP Laboratories
Classification: Likely pathogenic. Last evaluated: 2024-02-27. Review status: criteria provided, single submitter. Criteria: ARUP Molecular Germline Variant Investigation Process 2024. Collection method: clinical testing. Allele origin: germline.
Comment: The MSH6 c.628-1G>C variant (rs2104287071), to our knowledge, is not reported in the medical literature but is reported in ClinVar (Variation ID: 428338). This variant is absent from the Genome Aggregation Database (v2.1.1), indicating it is not a common polymorphism. This variant disrupts the canonical splice acceptor site of intron 3, which is likely to negatively impact gene function. Additionally, a different variant in this same splice acceprtor region, c.628-2A>G, has been identified in a cohort of endometrial cancer patients (Ring 2016). Based on available information, the c.628-1G>C variant is considered to be likely pathogenic. References: Ring KL et al. Germline multi-gene hereditary cancer panel testing in an unselected endometrial cancer cohort. Mod Pathol. 2016 Nov;29(11):1381-1389. PMID: 27443514

NM_000179.3(MSH6):c.628-1G>C

Gene: MSH6 (mutS homolog 6; plus strand). Cytogenetic location: 2p16.3.
Variant type: single nucleotide variant.
Coding change: c.628-1G>C on transcript NM_000179.3 (MANE Select); the canonical splice acceptor site of the intron before coding-DNA position 628, G replaced by C.
Molecular consequence: splice acceptor variant. On other transcripts: intron variant (2).
Genome position (GRCh38, 1-based): chr2:47,798,610, G>C. VCF-style: chr2-47798610-G-C. GRCh37 (hg19) VCF-style: chr2-48025749-G-C.
Other names: c.628-1G>C (NM_001406809.1, NM_001406796.1, NM_001406808.1 and 4 more transcripts); c.-279-1G>C (NM_001406811.1, NM_001406814.1, NM_001281493.2 and 5 more transcripts); c.331-1G>C (NM_001406805.1, NM_001406797.1, NM_001406801.1 and 10 more transcripts); c.724-1G>C (NM_001406795.1, NM_001406802.1); c.634-1G>C (NM_001406813.1); c.103-1G>C (NM_001406807.1, NM_001406799.1, NM_001406806.1); c.628-2056G>C (NM_001407362.1); c.550-1G>C (NM_001406804.1); and 3 more.
Identifiers: ClinVar variation 1067147 (VCV001067147.8), dbSNP rs2104287071, ClinGen allele CA346739198.
Genomic context (GRCh38, chr2:47,798,610, plus strand): 5'-TCTTACATTATGGTTTTCCAAATTTTGATTTGTTTTTAAATACTCTTTCCTTGCCTGGCA[G>C]GTAGGCACAACTTACGTAACAGATAAGAGTGAAGAAGATAATGAAATTGAGAGTGAAGAG-3'